The following is an entry in ClinVar:

ClinVar aggregate classification (germline): Uncertain significance (1 of 4 stars; one submission).

Conditions:
Idiopathic generalized epilepsy. Also called: Generalised epilepsy; EIG. Identifiers: MedGen C0270850, MONDO:0005579, OMIM 600669.

Submission:

Labcorp Genetics (formerly Invitae), Labcorp
Classification: Uncertain significance for Idiopathic generalized epilepsy. Last evaluated: 2023-02-16. Review status: criteria provided, single submitter. Criteria: Invitae Variant Classification Sherloc (09022015). Collection method: clinical testing. Allele origin: germline.
Comment: This variant, c.1121_1123del, results in the deletion of 1 amino acid(s) of the RBFOX1 protein (p.Gly374del), but otherwise preserves the integrity of the reading frame. This variant is present in population databases (rs774848304, gnomAD 0.004%). This variant has not been reported in the literature in individuals affected with RBFOX1-related conditions. ClinVar contains an entry for this variant (Variation ID: 1405244). Experimental studies and prediction algorithms are not available or were not evaluated, and the functional significance of this variant is currently unknown. In summary, the available evidence is currently insufficient to determine the role of this variant in disease. Therefore, it has been classified as a Variant of Uncertain Significance.

NM_018723.4(RBFOX1):c.1058_1060del (p.Gly353del)

Genes: RBFOX1 (RNA binding fox-1 homolog 1; plus strand), LOC126862279 (MED14-independent group 3 enhancer GRCh37_chr16:7758954-7760153; plus strand). Cytogenetic location: 16p13.3.
Variant type: Deletion.
Coding change: c.1058_1060del on transcript NM_018723.4 (MANE Select); coding-DNA positions 1058 to 1060, 3 bases deleted (GCG; older notation c.1058_1060delGCG).
Protein change: p.Gly353del; deletes glycine 353.
Molecular consequence: inframe deletion.
Genome position (GRCh38, 1-based): chr16:7,709,118-7,709,120, GCG deleted; deleting any 3 consecutive bases within chr16:7,709,116-7,709,120 gives the same sequence; the c. name uses the placement nearest the transcript's 3' end. VCF-style (leftmost placement, unchanged base first): chr16-7709115-ACGG-A. GRCh37 (hg19) VCF-style: chr16-7759117-ACGG-A.
Other names: c.977_979del, p.Gly326del (NM_001142333.2); c.1058_1060del, p.Gly353del (NM_001142334.2); c.1187_1189del, p.Gly396del (NM_001308117.1); c.1111_1113del, p.Ala371del (NM_001364800.2); c.1121_1123del, p.Gly374del (NM_145891.3, NM_145892.3); c.1174_1176del, p.Ala392del (NM_145893.3); short protein forms G396del, A392del, G353del, G374del, A371del, G326del.
Identifiers: ClinVar variation 1405244 (VCV001405244.8), dbSNP rs774848304, ClinGen allele CA7891964.